The following is an entry in ClinVar:

NM_001080466.2(BTBD17):c.1374C>T (p.Asn458=)

Gene: BTBD17 (BTB domain containing 17; minus strand). Cytogenetic location: 17q25.1.
Variant type: single nucleotide variant.
Coding change: c.1374C>T on transcript NM_001080466.2 (MANE Select); coding-DNA position 1374, C replaced by T.
Protein change: p.Asn458=; no amino-acid change (asparagine 458 retained).
Molecular consequence: synonymous variant.
Genome position (GRCh38, 1-based): chr17:74,356,720, G>A on the plus strand (C>T on the coding strand, the complement: BTBD17 is on the minus strand). VCF-style: chr17-74356720-G-A. GRCh37 (hg19) VCF-style: chr17-72352859-G-A.
Identifiers: ClinVar variation 2648196 (VCV002648196.24), dbSNP rs201446401, ClinGen allele CA293862213.

ClinVar aggregate classification (germline): Likely benign (1 of 4 stars; one submission).

Allele frequency attached by ClinVar (database versions not stated): gnomAD exomes below 0.00001.
gnomAD v4.1: 6 of 1,598,426 alleles (0.00038%); highest among the groups gnomAD compares: African/African-American, 0.0014%; no homozygotes.

Submission:

CeGaT Center for Human Genetics Tuebingen
Classification: Likely benign. Last evaluated: 2026-08-01. Review status: criteria provided, single submitter. Criteria: CeGaT Center For Human Genetics Tuebingen Variant Classification Criteria Version 2. Collection method: clinical testing. Allele origin: germline. Affected: yes. Observed: 6 variant alleles.
Comment: BTBD17: BP4, BP7